The following is an entry in ClinVar:

ClinVar aggregate classification (germline): Uncertain significance. Review status: criteria provided, multiple submitters, no conflicts (2 of 4 stars). 2 submissions from 2 submitters: Uncertain significance (2). Last evaluated 2024-10-23.

Allele frequency attached by ClinVar (database versions not stated): 1000 Genomes Project 30x 0.00016.
gnomAD v4.1: 102 of 1,612,314 alleles (0.0063%); highest among the groups gnomAD compares: Middle Eastern, 0.066%; no homozygotes.

Submissions (2):

Blueprint Genetics
Classification: Uncertain significance. Last evaluated: 2024-10-23. Review status: criteria provided, single submitter. Criteria: ACMG Guidelines, 2015. Collection method: clinical testing. Allele origin: germline.

Labcorp Genetics (formerly Invitae), Labcorp
Classification: Uncertain significance. Last evaluated: 2022-05-25. Review status: criteria provided, single submitter. Criteria: Invitae Variant Classification Sherloc (09022015). Collection method: clinical testing. Allele origin: germline.
Comment: This sequence change replaces valine, which is neutral and non-polar, with phenylalanine, which is neutral and non-polar, at codon 18 of the LRRC56 protein (p.Val18Phe). This variant is present in population databases (rs772525350, gnomAD 0.05%). This variant has not been reported in the literature in individuals affected with LRRC56-related conditions. Algorithms developed to predict the effect of missense changes on protein structure and function output the following: SIFT: "Tolerated"; PolyPhen-2: "Benign"; Align-GVGD: "Class C0". The phenylalanine amino acid residue is found in multiple mammalian species, which suggests that this missense change does not adversely affect protein function. In summary, the available evidence is currently insufficient to determine the role of this variant in disease. Therefore, it has been classified as a Variant of Uncertain Significance.

NM_198075.4(LRRC56):c.52G>T (p.Val18Phe)

Gene: LRRC56 (leucine rich repeat containing 56; plus strand). Cytogenetic location: 11p15.5.
Variant type: single nucleotide variant.
Coding change: c.52G>T on transcript NM_198075.4 (MANE Select); coding-DNA position 52, G replaced by T.
Protein change: p.Val18Phe; replaces valine 18 with phenylalanine.
Molecular consequence: missense variant.
Genome position (GRCh38, 1-based): chr11:540,736, G>T. VCF-style: chr11-540736-G-T. GRCh37 (hg19) VCF-style: chr11-540736-G-T.
Other names: short protein forms V18F.
Identifiers: ClinVar variation 1372696 (VCV001372696.4), dbSNP rs772525350, ClinGen allele CA5779482.